The following is an entry in ClinVar:

ClinVar aggregate classification (germline): Likely pathogenic (1 of 4 stars; one submission).

Conditions:
Leber congenital amaurosis 8 (LCA8). Identifiers: Orphanet 65, MedGen C3151202, MONDO:0013453, OMIM 613835.
Retinitis pigmentosa 12 (RP12). Also called: RP WITH OR WITHOUT PRESERVED PARAARTERIOLE RETINAL PIGMENT EPITHELIUM; RETINITIS PIGMENTOSA WITH OR WITHOUT PARAARTERIOLAR PRESERVATION OF RETINAL PIGMENT EPITHELIUM; RP WITH OR WITHOUT PPRPE. Identifiers: Orphanet 791, MedGen C1838647, MONDO:0010818, OMIM 600105.

Submission:

Labcorp Genetics (formerly Invitae), Labcorp
Classification: Likely pathogenic for Leber congenital amaurosis 8; Retinitis pigmentosa 12. Last evaluated: 2022-02-09. Review status: criteria provided, single submitter. Criteria: Invitae Variant Classification Sherloc (09022015). Collection method: clinical testing. Allele origin: germline.
Comment: This variant is not present in population databases (gnomAD no frequency). This variant has not been reported in the literature in individuals affected with CRB1-related conditions. Advanced modeling of protein sequence and biophysical properties (such as structural, functional, and spatial information, amino acid conservation, physicochemical variation, residue mobility, and thermodynamic stability) performed at Invitae indicates that this missense variant is expected to disrupt CRB1 protein function. Algorithms developed to predict the effect of sequence changes on RNA splicing suggest that this variant may create or strengthen a splice site. This variant disrupts the p.Gly899 amino acid residue in CRB1. Other variant(s) that disrupt this residue have been determined to be pathogenic (PMID: 23379534; Invitae). This suggests that this residue is clinically significant, and that variants that disrupt this residue are likely to be disease-causing. In summary, the currently available evidence indicates that the variant is pathogenic, but additional data are needed to prove that conclusively. Therefore, this variant has been classified as Likely Pathogenic. This sequence change replaces glycine, which is neutral and non-polar, with arginine, which is basic and polar, at codon 899 of the CRB1 protein (p.Gly899Arg).

Literature cited by the submitters: PubMed 23379534.

NM_201253.3(CRB1):c.2695G>A (p.Gly899Arg)

Gene: CRB1 (crumbs cell polarity complex component 1; plus strand). Cytogenetic location: 1q31.3.
Variant type: single nucleotide variant.
Coding change: c.2695G>A on transcript NM_201253.3 (MANE Select); coding-DNA position 2695, G replaced by A.
Protein change: p.Gly899Arg; replaces glycine 899 with arginine.
Molecular consequence: missense variant. On other transcripts: non-coding transcript variant (2), intron variant (1).
Genome position (GRCh38, 1-based): chr1:197,429,467, G>A. VCF-style: chr1-197429467-G-A. GRCh37 (hg19) VCF-style: chr1-197398597-G-A.
Other names: c.2359G>A, p.Gly787Arg (NM_001193640.2); c.2623G>A, p.Gly875Arg (NM_001257965.2); c.2129-6133G>A (NM_001257966.2); short protein forms G875R, G899R, G787R.
Identifiers: ClinVar variation 1963628 (VCV001963628.5), dbSNP rs2528165311, ClinGen allele CA344040422.